The following is an entry in ClinVar:

ClinVar aggregate classification (germline): Uncertain significance (1 of 4 stars; one submission).

Conditions:
Cryopyrin associated periodic syndrome (CAPS). Identifiers: Orphanet 208650, MedGen C2316212, MONDO:0016168.

Submission:

Labcorp Genetics (formerly Invitae), Labcorp
Classification: Uncertain significance for Cryopyrin associated periodic syndrome. Last evaluated: 2022-09-13. Review status: criteria provided, single submitter. Criteria: Invitae Variant Classification Sherloc (09022015). Collection method: clinical testing. Allele origin: germline.
Comment: This variant has not been reported in the literature in individuals affected with NLRP3-related conditions. This variant is not present in population databases (gnomAD no frequency). This sequence change replaces serine, which is neutral and polar, with arginine, which is basic and polar, at codon 970 of the NLRP3 protein (p.Ser970Arg). Advanced modeling of protein sequence and biophysical properties (such as structural, functional, and spatial information, amino acid conservation, physicochemical variation, residue mobility, and thermodynamic stability) performed at Invitae indicates that this missense variant is not expected to disrupt NLRP3 protein function. In summary, the available evidence is currently insufficient to determine the role of this variant in disease. Therefore, it has been classified as a Variant of Uncertain Significance.

NM_001243133.2(NLRP3):c.2904C>A (p.Ser968Arg)

Gene: NLRP3 (NLR family pyrin domain containing 3; plus strand). Cytogenetic location: 1q44.
Variant type: single nucleotide variant.
Coding change: c.2904C>A on transcript NM_001243133.2 (MANE Select); coding-DNA position 2904, C replaced by A.
Protein change: p.Ser968Arg; replaces serine 968 with arginine.
Molecular consequence: missense variant.
Genome position (GRCh38, 1-based): chr1:247,444,720, C>A. VCF-style: chr1-247444720-C-A. GRCh37 (hg19) VCF-style: chr1-247608022-C-A.
Other names: c.2904C>A, p.Ser968Arg (NM_001079821.3); c.2733C>A, p.Ser911Arg (NM_001127461.3, NM_001127462.3); c.2910C>A, p.Ser970Arg (NM_004895.5); c.2562C>A, p.Ser854Arg (NM_183395.3); short protein forms S968R, S970R, S854R, S911R.
Identifiers: ClinVar variation 1979694 (VCV001979694.4), dbSNP rs2527478312, ClinGen allele CA345565629.